The following is an entry in ClinVar:

ClinVar aggregate classification (germline): Conflicting classifications of pathogenicity. Review status: criteria provided, conflicting classifications (1 of 4 stars). 2 submissions from 2 submitters: Uncertain significance (1); Likely benign (1). Last evaluated 2025-05-15.

Conditions:
Hereditary breast ovarian cancer syndrome. Also called: Hereditary breast and ovarian cancer; Hereditary breast and/or ovarian cancer syndrome; BRCA1- and BRCA2-Associated Hereditary Breast and Ovarian Cancer; Hereditary breast and ovarian cancer syndrome; Hereditary breast and ovarian cancer syndrome (HBOC); Breast and ovarian cancer. Identifiers: Orphanet 145, MedGen C0677776, MeSH D061325, MONDO:0003582. Disease mechanism: loss of function.
Hereditary cancer-predisposing syndrome. Also called: Tumor predisposition; Hereditary Cancer Syndrome; Hereditary neoplastic syndrome; Neoplastic Syndromes, Hereditary. Identifiers: Orphanet 140162, MedGen C0027672, MeSH D009386, MONDO:0015356.

Submissions (2):

Ambry Genetics
Classification: Likely benign for Hereditary cancer-predisposing syndrome. Last evaluated: 2025-05-15. Review status: criteria provided, single submitter. Criteria: Ambry Variant Classification Scheme 2023. Collection method: clinical testing. Allele origin: germline.

Labcorp Genetics (formerly Invitae), Labcorp
Classification: Uncertain significance for Hereditary breast ovarian cancer syndrome. Last evaluated: 2024-04-01. Review status: criteria provided, single submitter. Criteria: Invitae Variant Classification Sherloc (09022015). Collection method: clinical testing. Allele origin: germline.
Comment: This sequence change replaces glutamic acid, which is acidic and polar, with aspartic acid, which is acidic and polar, at codon 2848 of the BRCA2 protein (p.Glu2848Asp). This variant is not present in population databases (gnomAD no frequency). This variant has not been reported in the literature in individuals affected with BRCA2-related conditions. ClinVar contains an entry for this variant (Variation ID: 409526). Advanced modeling of protein sequence and biophysical properties (such as structural, functional, and spatial information, amino acid conservation, physicochemical variation, residue mobility, and thermodynamic stability) performed at Invitae indicates that this missense variant is not expected to disrupt BRCA2 protein function with a negative predictive value of 95%. In summary, the available evidence is currently insufficient to determine the role of this variant in disease. Therefore, it has been classified as a Variant of Uncertain Significance.

NM_000059.4(BRCA2):c.8544A>C (p.Glu2848Asp)

Gene: BRCA2 (BRCA2 DNA repair associated; plus strand). Cytogenetic location: 13q13.1.
Variant type: single nucleotide variant.
Coding change: c.8544A>C on transcript NM_000059.4 (MANE Select); coding-DNA position 8544, A replaced by C.
Protein change: p.Glu2848Asp; replaces glutamic acid 2848 with aspartic acid.
Molecular consequence: missense variant.
Genome position (GRCh38, 1-based): chr13:32,371,012, A>C. VCF-style: chr13-32371012-A-C. GRCh37 (hg19) VCF-style: chr13-32945149-A-C.
Other names: short protein forms E2848D.
Identifiers: ClinVar variation 409526 (VCV000409526.16), dbSNP rs786201871, ClinGen allele CA16614373.